The following is an entry in ClinVar:

ClinVar aggregate classification (germline): Conflicting classifications of pathogenicity. Review status: criteria provided, conflicting classifications (1 of 4 stars). 2 submissions from 2 submitters: Uncertain significance (1); Likely benign (1). Last evaluated 2023-12-12.

Allele frequency attached by ClinVar (database versions not stated): gnomAD 0.00001; TOPMed 0.00001.
gnomAD v4.1: 14 of 1,613,850 alleles (0.00087%); highest among the groups gnomAD compares: Middle Eastern, 0.016%; no homozygotes.

Submissions (2):

Labcorp Genetics (formerly Invitae), Labcorp
Classification: Uncertain significance. Last evaluated: 2023-12-12. Review status: criteria provided, single submitter. Criteria: Invitae Variant Classification Sherloc (09022015). Collection method: clinical testing. Allele origin: germline.
Comment: This sequence change replaces leucine, which is neutral and non-polar, with proline, which is neutral and non-polar, at codon 243 of the FMN1 protein (p.Leu243Pro). This variant is present in population databases (no rsID available, gnomAD 0.006%). This variant has not been reported in the literature in individuals affected with FMN1-related conditions. ClinVar contains an entry for this variant (Variation ID: 2547654). Experimental studies and prediction algorithms are not available or were not evaluated, and the functional significance of this variant is currently unknown. In summary, the available evidence is currently insufficient to determine the role of this variant in disease. Therefore, it has been classified as a Variant of Uncertain Significance.

Ambry Genetics
Classification: Likely benign. Last evaluated: 2023-05-17. Review status: criteria provided, single submitter. Criteria: Ambry Variant Classification Scheme 2023. Collection method: clinical testing. Allele origin: germline.

NM_001277313.2(FMN1):c.2044-2083T>C

Gene: FMN1 (formin 1; minus strand). Cytogenetic location: 15q13.3.
Variant type: single nucleotide variant.
Coding change: c.2044-2083T>C on transcript NM_001277313.2 (MANE Select); 2083 bases into the intron before coding-DNA position 2044, T replaced by C.
Molecular consequence: intron variant. On other transcripts: missense variant (1).
Genome position (GRCh38, 1-based): chr15:33,067,157, A>G on the plus strand (T>C on the coding strand, the complement: FMN1 is on the minus strand). VCF-style: chr15-33067157-A-G. GRCh37 (hg19) VCF-style: chr15-33359358-A-G.
Other names: c.728T>C, p.Leu243Pro (NM_001103184.4); short protein forms L243P.
Identifiers: ClinVar variation 2547654 (VCV002547654.5), dbSNP rs926605064, ClinGen allele CA268544557.